The following is an entry in ClinVar:

NM_002354.3(EPCAM):c.443T>A (p.Leu148Gln)

Gene: EPCAM (epithelial cell adhesion molecule; plus strand). Cytogenetic location: 2p21.
Variant type: single nucleotide variant.
Coding change: c.443T>A on transcript NM_002354.3 (MANE Select); coding-DNA position 443, T replaced by A.
Protein change: p.Leu148Gln; replaces leucine 148 with glutamine.
Molecular consequence: missense variant.
Genome position (GRCh38, 1-based): chr2:47,375,251, T>A. VCF-style: chr2-47375251-T-A. GRCh37 (hg19) VCF-style: chr2-47602390-T-A.
Other names: short protein forms L148Q.
Identifiers: ClinVar variation 3509193 (VCV003509193.1).

ClinVar aggregate classification (germline): Uncertain significance (1 of 4 stars; one submission).

Conditions:
Hereditary cancer-predisposing syndrome. Also called: Tumor predisposition; Neoplastic Syndromes, Hereditary; Hereditary Cancer Syndrome; Hereditary neoplastic syndrome. Identifiers: Orphanet 140162, MedGen C0027672, MeSH D009386, MONDO:0015356.

Submission:

Ambry Genetics
Classification: Uncertain significance for Hereditary cancer-predisposing syndrome. Last evaluated: 2024-10-13. Review status: criteria provided, single submitter. Criteria: Ambry Variant Classification Scheme 2023. Collection method: clinical testing. Allele origin: germline.
Comment: The p.L148Q variant (also known as c.443T>A), located in coding exon 4 of the EPCAM gene, results from a T to A substitution at nucleotide position 443. The leucine at codon 148 is replaced by glutamine, an amino acid with dissimilar properties. This amino acid position is conserved. In addition, the in silico prediction for this alteration is inconclusive. Based on the available evidence, the clinical significance of this variant remains unclear.